The following is an entry in ClinVar:

NM_001082486.2(ACD):c.6A>G (p.Ala2=)

Gene: ACD (ACD shelterin complex subunit and telomerase recruitment factor; minus strand). Cytogenetic location: 16q22.1.
Variant type: single nucleotide variant.
Coding change: c.6A>G on transcript NM_001082486.2 (MANE Select); coding-DNA position 6, A replaced by G.
Protein change: p.Ala2=; no amino-acid change (alanine 2 retained).
Molecular consequence: synonymous variant.
Genome position (GRCh38, 1-based): chr16:67,660,215, T>C on the plus strand (A>G on the coding strand, the complement: ACD is on the minus strand). VCF-style: chr16-67660215-T-C. GRCh37 (hg19) VCF-style: chr16-67694118-T-C.
Other names: c.6A>G, p.Ala2= (NM_001410884.1, NM_022914.3).
Identifiers: ClinVar variation 1794292 (VCV001794292.22), dbSNP rs1301817552, ClinGen allele CA496088377.

ClinVar aggregate classification (germline): Likely benign. Review status: criteria provided, multiple submitters, no conflicts (2 of 4 stars). 2 submissions from 2 submitters: Likely benign (2). Last evaluated 2024-04-01.

Conditions:
Inborn genetic diseases. Identifiers: MedGen C0950123, MeSH D030342.

gnomAD v4.1: 3 of 1,612,626 alleles (0.00019%); highest among the groups gnomAD compares: Admixed American, 0.0017%; no homozygotes.

Submissions (2):

CeGaT Center for Human Genetics Tuebingen
Classification: Likely benign. Last evaluated: 2024-04-01. Review status: criteria provided, single submitter. Criteria: CeGaT Center For Human Genetics Tuebingen Variant Classification Criteria Version 2. Collection method: clinical testing. Allele origin: germline. Affected: yes. Observed: 1 variant allele.
Comment: ACD: BP4, BP7

Ambry Genetics
Classification: Likely benign for Inborn genetic diseases. Last evaluated: 2019-05-30. Review status: criteria provided, single submitter. Criteria: Ambry Variant Classification Scheme 2023. Collection method: clinical testing. Allele origin: germline.